The following is an entry in ClinVar:

ClinVar aggregate classification (germline): Pathogenic (1 of 4 stars; one submission).

Conditions:
Ehlers-Danlos syndrome, classic type, 1 (EDSCL1). Also called: EHLERS-DANLOS SYNDROME, GRAVIS TYPE; EHLERS-DANLOS SYNDROME, SEVERE CLASSIC TYPE; Ehlers-Danlos syndrome, type 1; Ehlers-Danlos Syndrome, Classic Type, COL5A1-Related; EDS I. Identifiers: MedGen C0268335, MONDO:0019567, OMIM 130000.

Submission:

Labcorp Genetics (formerly Invitae), Labcorp
Classification: Pathogenic for Ehlers-Danlos syndrome, classic type, 1. Last evaluated: 2022-11-30. Review status: criteria provided, single submitter. Criteria: Invitae Variant Classification Sherloc (09022015). Collection method: clinical testing. Allele origin: germline.
Comment: For these reasons, this variant has been classified as Pathogenic. This variant is not present in population databases (gnomAD no frequency). This premature translational stop signal has been observed in individual(s) with Ehlers-Danlos syndrome (PMID: 19370768). This sequence change creates a premature translational stop signal (p.Gln552*) in the COL5A1 gene. It is expected to result in an absent or disrupted protein product. Loss-of-function variants in COL5A1 are known to be pathogenic (PMID: 23587214).

Literature cited by the submitters: PubMed 19370768; PubMed 23587214.

NM_000093.5(COL5A1):c.1654C>T (p.Gln552Ter)

Gene: COL5A1 (collagen type V alpha 1 chain; plus strand). Cytogenetic location: 9q34.3.
Variant type: single nucleotide variant.
Coding change: c.1654C>T on transcript NM_000093.5 (MANE Select); coding-DNA position 1654, C replaced by T.
Protein change: p.Gln552Ter; replaces glutamine 552 with a stop codon.
Molecular consequence: nonsense.
Genome position (GRCh38, 1-based): chr9:134,750,874, C>T. VCF-style: chr9-134750874-C-T. GRCh37 (hg19) VCF-style: chr9-137642720-C-T.
Other names: c.1654C>T, p.Gln552Ter (NM_001278074.1); short protein forms Q552*.
Identifiers: ClinVar variation 2735369 (VCV002735369.3), dbSNP rs2490588301, ClinGen allele CA375444153.